The following is an entry in ClinVar:

ClinVar aggregate classification (germline): Benign/Likely benign. Review status: criteria provided, multiple submitters, no conflicts (2 of 4 stars). 5 submissions from 4 submitters: Benign (3); Likely benign (2). Last evaluated 2026-02-07.

Conditions:
Adams-Oliver syndrome 5 (AOS5). Identifiers: Orphanet 974, MedGen C4014970, MONDO:0014459, OMIM 616028.
Aortic valve disease 1 (AOVD1). Identifiers: MedGen C3887892, MONDO:0024523, OMIM 109730.

Allele frequency attached by ClinVar (database versions not stated): gnomAD 0.00010; ExAC 0.00011; TOPMed 0.00018; ESP Exome Variant Server 0.00024.
gnomAD v4.1: 645 of 1,610,624 alleles (0.04%); highest among the groups gnomAD compares: Non-Finnish European, 0.053%; no homozygotes.

Submissions (5):

Women's Health and Genetics/Laboratory Corporation of America, LabCorp
Classification: Benign. Last evaluated: 2026-02-07. Review status: criteria provided, single submitter. Criteria: LabCorp Variant Classification Summary - May 2015. Collection method: clinical testing. Allele origin: germline.

Labcorp Genetics (formerly Invitae), Labcorp
Classification: Likely benign for Adams-Oliver syndrome 5. Last evaluated: 2026-02-01. Review status: criteria provided, single submitter. Criteria: Invitae Variant Classification Sherloc (09022015). Collection method: clinical testing. Allele origin: germline.

Genome-Nilou Lab
Classification: Benign for Adams-Oliver syndrome 5. Last evaluated: 2022-03-15. Review status: criteria provided, single submitter. Criteria: ACMG Guidelines, 2015. Collection method: clinical testing. Allele origin: germline. Affected: no.

Genome-Nilou Lab
Classification: Benign for Aortic valve disease 1. Last evaluated: 2022-03-15. Review status: criteria provided, single submitter. Criteria: ACMG Guidelines, 2015. Collection method: clinical testing. Allele origin: germline. Affected: no.

GeneDx
Classification: Likely benign. Last evaluated: 2018-03-07. Review status: criteria provided, single submitter. Criteria: GeneDx Variant Classification (06012015). Collection method: clinical testing. Allele origin: germline. Affected: yes.
Comment: This variant is considered likely benign or benign based on one or more of the following criteria: it is a conservative change, it occurs at a poorly conserved position in the protein, it is predicted to be benign by multiple in silico algorithms, and/or has population frequency not consistent with disease.

NM_017617.5(NOTCH1):c.2969+14G>A

Gene: NOTCH1 (notch receptor 1; minus strand). Cytogenetic location: 9q34.3.
Variant type: single nucleotide variant.
Coding change: c.2969+14G>A on transcript NM_017617.5 (MANE Select); 14 bases into the intron after coding-DNA position 2969, G replaced by A.
Molecular consequence: intron variant.
Genome position (GRCh38, 1-based): chr9:136,509,719, C>T on the plus strand (G>A on the coding strand, the complement: NOTCH1 is on the minus strand). VCF-style: chr9-136509719-C-T. GRCh37 (hg19) VCF-style: chr9-139404171-C-T.
Other names: c.2969+14G>A (LRG_1122t1).
Identifiers: ClinVar variation 391730 (VCV000391730.10), dbSNP rs112192550, ClinGen allele CA5341100.
Genomic context (GRCh38, chr9:136,509,719, plus strand): 5'-TGCCAGGCTGCCAGCTACTGCGTGTGGCCCGCACCGCCCGTTCCCTTCCACGGCCTCACT[C>T]GAGCCCCGCACACCTCTCTGTGCAGTCAGGCGTGTTGTTCTCACAGTGGATCCCGCTGAA-3'